The following is an entry in ClinVar:

ClinVar aggregate classification (germline): Uncertain significance (1 of 4 stars; one submission).

Conditions:
Neuropathy, hereditary sensory and autonomic, type 2A (HSAN2A). Also called: WNK1-Related HSAN2 (HSAN2A); HSAN IIA; ACROOSTEOLYSIS, GIACCAI TYPE; ACROOSTEOLYSIS, NEUROGENIC; MORVAN DISEASE; NEUROPATHY, CONGENITAL SENSORY. Identifiers: Orphanet 970, MedGen C2752089, MONDO:0024309, OMIM 201300.
Generalized epilepsy with febrile seizures plus, type 7 (GEFSP7). Also called: GEFS+, TYPE 7. Identifiers: Orphanet 36387, MedGen C2751778, MONDO:0013470, OMIM 613863.

Allele frequency attached by ClinVar (database versions not stated): gnomAD exomes below 0.00001; ExAC 0.00001.
gnomAD v4.1: 1 of 1,593,938 alleles (0.000063%); highest among the groups gnomAD compares: Non-Finnish European, 0.000086%; no homozygotes.

Submission:

Labcorp Genetics (formerly Invitae), Labcorp
Classification: Uncertain significance for Neuropathy, hereditary sensory and autonomic, type 2A; Generalized epilepsy with febrile seizures plus, type 7. Last evaluated: 2021-03-18. Review status: criteria provided, single submitter. Criteria: Invitae Variant Classification Sherloc (09022015). Collection method: clinical testing. Allele origin: germline.
Comment: Algorithms developed to predict the effect of missense changes on protein structure and function are either unavailable or do not agree on the potential impact of this missense change (SIFT: "Deleterious"; PolyPhen-2: "Possibly Damaging"; Align-GVGD: "Class C0"). This sequence change replaces valine with leucine at codon 1573 of the SCN9A protein (p.Val1573Leu). The valine residue is highly conserved and there is a small physicochemical difference between valine and leucine. The frequency data for this variant in the population databases is considered unreliable, as metrics indicate poor data quality at this position in the ExAC database. This variant has not been reported in the literature in individuals with SCN9A-related conditions. In summary, the available evidence is currently insufficient to determine the role of this variant in disease. Therefore, it has been classified as a Variant of Uncertain Significance.

NM_001365536.1(SCN9A):c.4750G>T (p.Val1584Leu)

Genes: SCN1A-AS1 (SCN1A and SCN9A antisense RNA 1; plus strand), SCN9A (sodium voltage-gated channel alpha subunit 9; minus strand). Cytogenetic location: 2q24.3.
Variant type: single nucleotide variant.
Coding change: c.4750G>T on transcript NM_001365536.1 (MANE Select); coding-DNA position 4750, G replaced by T.
Protein change: p.Val1584Leu; replaces valine 1584 with leucine.
Molecular consequence: missense variant.
Genome position (GRCh38, 1-based): chr2:166,203,979, C>A on the plus strand (G>T on the coding strand, the complement: SCN9A is on the minus strand). VCF-style: chr2-166203979-C-A. GRCh37 (hg19) VCF-style: chr2-167060489-C-A.
Other names: c.4717G>T, p.Val1573Leu (NM_002977.4); short protein forms V1584L, V1573L.
Identifiers: ClinVar variation 1502352 (VCV001502352.8), dbSNP rs766974972, ClinGen allele CA1943795.
Genomic context (GRCh38, chr2:166,203,979, plus strand): 5'-CTCAAAAAATAAAATCTGAAAAATAAATATTCTTACCTACAATGGAGATAATCACAACCA[C>A]AAAATCAAAAATATTCCATCCTACAGTGAAGTAGTAGTGTCTGAGGGAGATCAGTTTTAG-3'
Protein context (NP_001352465.1, residues 1574-1594): FTVGWNIFDF[Val1584Leu]VVIISIVGMF